The following is an entry in ClinVar:

NM_001267550.2(TTN):c.57233_57234del (p.Thr19078fs)

Genes: TTN-AS1 (TTN antisense RNA 1; plus strand), TTN (titin; minus strand). Cytogenetic location: 2q31.2.
Variant type: Microsatellite.
Coding change: c.57233_57234del on transcript NM_001267550.2 (MANE Select); coding-DNA positions 57233 to 57234, 2 bases deleted (CA; older notation c.57233_57234delCA).
Protein change: p.Thr19078fs; shifts the reading frame from threonine 19078.
Molecular consequence: frameshift variant.
Genome position (GRCh38, 1-based): chr2:178,597,936-178,597,937, TG deleted on the plus strand (CA on the coding strand, the reverse complement: TTN is on the minus strand); deleting any 2 consecutive bases within chr2:178,597,936-178,597,939 gives the same sequence; the c. name uses the placement nearest the transcript's 3' end. VCF-style (leftmost placement, unchanged base first): chr2-178597935-CTG-C. GRCh37 (hg19) VCF-style: chr2-179462662-CTG-C.
Other names: c.52310_52311del, p.Thr17437fs (NM_001256850.1); c.30038_30039del, p.Thr10013fs (NM_003319.4); c.49529_49530del, p.Thr16510fs (NM_133378.4); c.30413_30414del, p.Thr10138fs (NM_133432.3); c.30614_30615del, p.Thr10205fs (NM_133437.4); short protein forms T10138fs, T10205fs, T17437fs, T10013fs, T16510fs, T19078fs.
Identifiers: ClinVar variation 2953499 (VCV002953499.3), dbSNP rs2469815004, ClinGen allele CA2565724568.

ClinVar aggregate classification (germline): Likely pathogenic (1 of 4 stars; one submission).

Conditions:
Autosomal recessive limb-girdle muscular dystrophy type 2J (LGMDR10). Also called: Limb-girdle muscular dystrophy, type 2J; MUSCULAR DYSTROPHY, LIMB-GIRDLE, AUTOSOMAL RECESSIVE 10. Identifiers: Orphanet 140922, MedGen C1837342, MONDO:0012127, OMIM 608807.
Dilated cardiomyopathy 1G (CMD1G). Identifiers: Orphanet 154, MedGen C1858763, MONDO:0011400, OMIM 604145.

Submission:

Labcorp Genetics (formerly Invitae), Labcorp
Classification: Likely pathogenic for Dilated cardiomyopathy 1G; Autosomal recessive limb-girdle muscular dystrophy type 2J. Last evaluated: 2023-11-02. Review status: criteria provided, single submitter. Criteria: Invitae Variant Classification Sherloc (09022015). Collection method: clinical testing. Allele origin: germline.
Comment: This sequence change creates a premature translational stop signal (p.Thr19078Argfs*4) in the TTN gene. While this is not anticipated to result in nonsense mediated decay, it is expected to create a truncated TTN protein. This variant is not present in population databases (gnomAD no frequency). This variant has not been reported in the literature in individuals affected with TTN-related conditions. This variant is located in the A band of TTN (PMID: 25589632). Truncating variants in this region are significantly overrepresented in patients affected with dilated cardiomyopathy (PMID: 25589632). Truncating variants in this region have also been reported in individuals affected with autosomal recessive centronuclear myopathy (PMID: 23975875). In summary, the currently available evidence indicates that the variant is pathogenic, but additional data are needed to prove that conclusively. Therefore, this variant has been classified as Likely Pathogenic.

Literature cited by the submitters: PubMed 25589632; PubMed 23975875.